The following is an entry in ClinVar:

NM_001365276.2(TNXB):c.9682C>T (p.Arg3228Cys)

Gene: TNXB (tenascin XB; minus strand). Cytogenetic location: 6p21.33.
Variant type: single nucleotide variant.
Coding change: c.9682C>T on transcript NM_001365276.2 (MANE Select); coding-DNA position 9682, C replaced by T.
Protein change: p.Arg3228Cys; replaces arginine 3228 with cysteine.
Molecular consequence: missense variant.
Genome position (GRCh38, 1-based): chr6:32,049,345, G>A on the plus strand (C>T on the coding strand, the complement: TNXB is on the minus strand). VCF-style: chr6-32049345-G-A. GRCh37 (hg19) VCF-style: chr6-32017122-G-A.
Other names: c.10423C>T, p.Arg3475Cys (NM_001428335.1); c.9676C>T, p.Arg3226Cys (NM_019105.8); short protein forms R3475C, R3228C, R3226C.
Identifiers: ClinVar variation 5003956 (VCV005003956.1).
Genomic context (GRCh38, chr6:32,049,345, plus strand): 5'-TGGACACTGGGCCCACGCGCTGCCCCTCGTGGAGGCCGTACAGATGCATCTTGTATTTGC[G>A]CCCGGGCTCCAGGCCCCCCACGGTGACCTCGCTCTCCTCGCCCCTGACACGCACCACCTG-3'
Protein context (NP_001352205.1, residues 3218-3238): EVTVGGLEPG[Arg3228Cys]KYKMHLYGLH

ClinVar aggregate classification (germline): Uncertain significance (1 of 4 stars; one submission).

Conditions:
Ehlers-Danlos syndrome due to tenascin-X deficiency (EDSCLL1). Also called: TNX DEFICIENCY; EDS DUE TO TNX DEFICIENCY; EHLERS-DANLOS SYNDROME, CLASSIC-LIKE; Ehlers-Danlos syndrome, classic-like, 1; TNXB-Related Classical-Like Ehlers-Danlos Syndrome. Identifiers: Orphanet 230839, MedGen C1848029, MONDO:0011670, OMIM 606408.

gnomAD v4.1: 15 of 1,612,344 alleles (0.00093%); highest among the groups gnomAD compares: East Asian, 0.0067%; no homozygotes.

Submission:

Myriad Genetics, Inc.
Classification: Uncertain significance for Ehlers-Danlos syndrome due to tenascin-X deficiency. Last evaluated: 2025-07-22. Review status: criteria provided, single submitter. Criteria: Myriad Autosomal Dominant, Autosomal Recessive and X-Linked Classification Criteria (2023). Collection method: clinical testing. Allele origin: unknown.
Comment: NM_019105.6(TNXB):c.9676C>T(R3226C) is a missense variant classified as a variant of uncertain significance in the context of classical-like Ehlers-Danlos syndrome, TNXB-related. R3226C has not been observed in cases with relevant disease. Relevant functional assessments of this variant are not available in the literature. R3226C has not been observed in referenced population frequency databases. In summary, there is insufficient evidence to classify NM_019105.6(TNXB):c.9676C>T(R3226C) as pathogenic or benign. Please note: this variant was assessed in the context of healthy population screening.